The following is an entry in ClinVar:

ClinVar aggregate classification (germline): Benign. Review status: criteria provided, multiple submitters, no conflicts (2 of 4 stars). 15 submissions from 15 submitters: Benign (12). 3 of the submissions do not count toward it. Last evaluated 2026-02-04.

Conditions:
Neuronopathy, distal hereditary motor, autosomal dominant. Also called: Autosomal dominant distal hereditary motor neuropathy. Identifiers: Orphanet 140465, MedGen C5548212, MONDO:0015362.
Charcot-Marie-Tooth disease. Also called: Charcot-Marie-Tooth Neuropathy; Charcot-Marie-Tooth Hereditary Neuropathy. Identifiers: Orphanet 166, MedGen C0007959, MONDO:0015626.
Charcot-Marie-Tooth disease axonal type 2S. Also called: CHARCOT-MARIE-TOOTH NEUROPATHY, TYPE 2S; CHARCOT-MARIE-TOOTH DISEASE, AXONAL, AUTOSOMAL RECESSIVE, TYPE 2S. Identifiers: Orphanet 443073, MedGen C4015349, MONDO:0014511, OMIM 616155.
Autosomal recessive distal spinal muscular atrophy 1. Also called: NEURONOPATHY, DISTAL HEREDITARY MOTOR, HARDING TYPE VI; NEUROPATHY, DISTAL HEREDITARY MOTOR, AUTOSOMAL RECESSIVE 1; SEVERE INFANTILE AXONAL NEUROPATHY WITH RESPIRATORY FAILURE; SPINAL MUSCULAR ATROPHY, DIAPHRAGMATIC; HMN VI; Spinal muscular atrophy with respiratory distress 1. Identifiers: Orphanet 98920, MedGen C1858517, MONDO:0011436, OMIM 604320.

Allele frequency attached by ClinVar (database versions not stated): 1000 Genomes Project 30x 0.19550; 1000 Genomes Project 0.19708; ESP Exome Variant Server 0.21012; gnomAD 0.22387 and 0.22391; TOPMed 0.23075.
gnomAD v4.1: 439,042 of 1,613,734 alleles (27%); highest among the groups gnomAD compares: Admixed American, 44%; 63,713 homozygotes.

Submissions (15):

Labcorp Genetics (formerly Invitae), Labcorp
Classification: Benign for Autosomal recessive distal spinal muscular atrophy 1; Charcot-Marie-Tooth disease axonal type 2S. Last evaluated: 2026-02-04. Review status: criteria provided, single submitter. Criteria: Invitae Variant Classification Sherloc (09022015). Collection method: clinical testing. Allele origin: germline.

ARUP Laboratories, Molecular Genetics and Genomics, ARUP Laboratories
Classification: Benign. Last evaluated: 2025-07-28. Review status: criteria provided, single submitter. Criteria: ARUP Molecular Germline Variant Investigation Process 2024. Collection method: clinical testing. Allele origin: germline.

Genome-Nilou Lab
Classification: Benign for Charcot-Marie-Tooth disease axonal type 2S. Last evaluated: 2021-08-10. Review status: criteria provided, single submitter. Criteria: ACMG Guidelines, 2015. Collection method: clinical testing. Allele origin: germline. Affected: no.

Illumina Laboratory Services, Illumina
Classification: Benign for Autosomal recessive distal spinal muscular atrophy 1. Last evaluated: 2018-03-06. Review status: criteria provided, single submitter. Criteria: ICSL Variant Classification Criteria 13 December 2019. Collection method: clinical testing. Allele origin: germline.
Comment: This variant was observed in the ICSL laboratory as part of a predisposition screen in an ostensibly healthy population. It had not been previously curated by ICSL or reported in the Human Gene Mutation Database (HGMD: prior to June 1st, 2018), and was therefore a candidate for classification through an automated scoring system. Utilizing variant allele frequency, disease prevalence and penetrance estimates, and inheritance mode, an automated score was calculated to assess if this variant is too frequent to cause the disease. Based on the score and internal cut-off values, a variant classified as benign is not then subjected to further curation. The score for this variant resulted in a classification of benign for this disease.

Athena Diagnostics
Classification: Benign for Autosomal recessive distal spinal muscular atrophy 1. Last evaluated: 2017-04-30. Review status: criteria provided, single submitter. Criteria: Athena Diagnostics Criteria. Collection method: clinical testing. Allele origin: germline.

Laboratory for Molecular Medicine, Mass General Brigham Personalized Medicine
Classification: Benign. Last evaluated: 2016-03-28. Review status: criteria provided, single submitter. Criteria: LMM Criteria. Collection method: clinical testing. Allele origin: germline.
Comment: Variant identified in a genome or exome case(s) and assessed due to predicted null impact of the variant or pathogenic assertions in the literature or databases. Disclaimer: This variant has not undergone full assessment. The following are preliminary notes: 25% of total chromosomes in ExAC

Mayo Clinic Laboratories, Mayo Clinic
Classification: Benign. Last evaluated: 2016-03-01. Review status: criteria provided, single submitter. Criteria: ACMG Guidelines, 2015. Collection method: clinical testing. Allele origin: germline. Observed: 969 variant alleles.

GeneDx
Classification: Benign. Last evaluated: 2015-03-03. Review status: criteria provided, single submitter. Criteria: GeneDx Variant Classification Process June 2021. Collection method: clinical testing. Allele origin: germline. Affected: yes.
Comment: This variant is associated with the following publications: (PMID: 24022109, 11528396, 20981092, 20220177, 16458836, 21228398, 15797190)

Eurofins Ntd Llc (ga)
Classification: Benign. Last evaluated: 2015-01-13. Review status: criteria provided, single submitter. Criteria: EGL Classification Definitions 2015. Collection method: clinical testing. Allele origin: germline. Observed: 2 variant alleles, 2 heterozygotes.

Breakthrough Genomics
Classification: Benign. Review status: criteria provided, single submitter. Criteria: ACMG Guidelines, 2015. Collection method: not provided. Allele origin: germline. Inheritance: Autosomal recessive inheritance. Affected: yes.

Molecular Genetics Laboratory, London Health Sciences Centre
Classification: Benign for Charcot-Marie-Tooth disease. Review status: criteria provided, single submitter. Criteria: ACMG Guidelines, 2015. Collection method: clinical testing. Allele origin: germline. Affected: yes.

PreventionGenetics, part of Exact Sciences
Classification: Benign. Review status: criteria provided, single submitter. Criteria: ACMG Guidelines, 2015. Collection method: clinical testing. Allele origin: germline.

Clinical Genetics, Academic Medical Center
Classification: Benign. Review status: no assertion criteria provided. Collection method: clinical testing. Allele origin: germline. Affected: yes. Study: VKGL Data-share Consensus. Not counted in ClinVar's aggregate classification.

Inherited Neuropathy Consortium
Classification: Uncertain significance for Autosomal dominant distal hereditary motor neuropathy. Review status: no assertion criteria provided. Collection method: literature only. Allele origin: germline. Affected: yes. Not counted in ClinVar's aggregate classification.

Joint Genome Diagnostic Labs from Nijmegen and Maastricht, Radboudumc and MUMC+
Classification: Benign. Review status: no assertion criteria provided. Collection method: clinical testing. Allele origin: germline. Affected: yes. Study: VKGL Data-share Consensus. Not counted in ClinVar's aggregate classification.

Literature cited by the submitters: PubMed 15797190 (cited by Athena Diagnostics); PubMed 11528396 (cited by Inherited Neuropathy Consortium).

NM_002180.3(IGHMBP2):c.2636C>A (p.Thr879Lys)

Gene: IGHMBP2 (immunoglobulin mu DNA binding protein 2; plus strand). Cytogenetic location: 11q13.3.
Variant type: single nucleotide variant.
Coding change: c.2636C>A on transcript NM_002180.3 (MANE Select); coding-DNA position 2636, C replaced by A.
Protein change: p.Thr879Lys; replaces threonine 879 with lysine.
Molecular consequence: missense variant.
Genome position (GRCh38, 1-based): chr11:68,938,206, C>A. VCF-style: chr11-68938206-C-A. GRCh37 (hg19) VCF-style: chr11-68705674-C-A.
Other names: short protein forms T879K.
Identifiers: ClinVar variation 194368 (VCV000194368.45), dbSNP rs17612126, ClinGen allele CA201143.
Genomic context (GRCh38, chr11:68,938,206, plus strand): 5'-CTTTCCGTTTGCCTGAGTGACGCGGGTCTTCTCCAGGACATCCGGCCACAGATCTGCCCA[C>A]GGAGGAGGACTTTGAGGCCCTGGTTTCTGCCGCCGTTAAGGCTGATAACACCTGCGGCTT-3'
Protein context (NP_002171.2, residues 869-889): AKGHPATDLP[Thr879Lys]EEDFEALVSA